The following is an entry in ClinVar:

NM_004415.4(DSP):c.5555G>A (p.Arg1852His)

Gene: DSP (desmoplakin; plus strand). Cytogenetic location: 6p24.3.
Variant type: single nucleotide variant.
Coding change: c.5555G>A on transcript NM_004415.4 (MANE Select); coding-DNA position 5555, G replaced by A.
Protein change: p.Arg1852His; replaces arginine 1852 with histidine.
Molecular consequence: missense variant.
Genome position (GRCh38, 1-based): chr6:7,582,817, G>A. VCF-style: chr6-7582817-G-A. GRCh37 (hg19) VCF-style: chr6-7583050-G-A.
Other names: c.5555G>A (LRG_423t1); c.3758G>A, p.Arg1253His (NM_001008844.3); c.4226G>A, p.Arg1409His (NM_001319034.2); short protein forms R1852H, R1253H, R1409H.
Identifiers: ClinVar variation 36022 (VCV000036022.24), dbSNP rs193922669, ClinGen allele CA006544.

ClinVar aggregate classification (germline): Benign/Likely benign. Review status: criteria provided, multiple submitters, no conflicts (2 of 4 stars). 6 submissions from 6 submitters: Benign (1); Likely benign (5). Last evaluated 2026-01-25.

Conditions:
Cardiovascular phenotype. Identifiers: MedGen CN230736.
Cardiomyopathy (CMYO). Also called: Cardiomyopathies. Identifiers: Orphanet 167848, MedGen C0878544, MONDO:0004994, HP:0001638. Inheritance: Various modes of inheritance.
Arrhythmogenic right ventricular dysplasia 8 (ARVD8). Also called: Arrhythmogenic Right Ventricular Dysplasia/Cardiomyopathy 8; ARRHYTHMOGENIC RIGHT VENTRICULAR DYSPLASIA, FAMILIAL, 8; ARRHYTHMOGENIC RIGHT VENTRICULAR CARDIOMYOPATHY 8. Identifiers: MedGen C1843896, MONDO:0011831, OMIM 607450.
Arrhythmogenic cardiomyopathy with wooly hair and keratoderma. Also called: Carvajal syndrome; Dilated cardiomyopathy with woolly hair and keratoderma; Arrhythmogenic cardiomyopathy with woolly hair and keratoderma; PALMOPLANTAR KERATODERMA WITH LEFT VENTRICULAR CARDIOMYOPATHY AND WOOLLY HAIR. Identifiers: Orphanet 65282, MedGen C1854063, MONDO:0011581, OMIM 605676.

Allele frequency attached by ClinVar (database versions not stated): gnomAD 0.00005 and 0.00007; ESP Exome Variant Server 0.00008; TOPMed 0.00009; gnomAD exomes 0.00011 and 0.00021; 1000 Genomes Project 30x 0.00016; 1000 Genomes Project 0.00020; ExAC 0.00024.
gnomAD v4.1: 175 of 1,614,050 alleles (0.011%); highest among the groups gnomAD compares: South Asian, 0.12%; no homozygotes.

Submissions (6):

Labcorp Genetics (formerly Invitae), Labcorp
Classification: Likely benign for Arrhythmogenic cardiomyopathy with wooly hair and keratoderma; Arrhythmogenic right ventricular dysplasia 8. Last evaluated: 2026-01-25. Review status: criteria provided, single submitter. Criteria: Invitae Variant Classification Sherloc (09022015). Collection method: clinical testing. Allele origin: germline.

Molecular Diagnostic Laboratory for Inherited Cardiovascular Disease, Montreal Heart Institute
Classification: Likely benign. Last evaluated: 2025-02-17. Review status: criteria provided, single submitter. Criteria: ACMG Guidelines, 2015. Collection method: clinical testing. Allele origin: germline. Affected: no.
Comment: BS1, BP6

Ambry Genetics
Classification: Likely benign for Cardiovascular phenotype. Last evaluated: 2022-02-11. Review status: criteria provided, single submitter. Criteria: Ambry Variant Classification Scheme 2023. Collection method: clinical testing. Allele origin: germline.

CHEO Genetics Diagnostic Laboratory, Children's Hospital of Eastern Ontario
Classification: Benign for Cardiomyopathy. Last evaluated: 2019-09-23. Review status: criteria provided, single submitter. Criteria: ACMG Guidelines, 2015. Collection method: clinical testing. Allele origin: germline.

Women's Health and Genetics/Laboratory Corporation of America, LabCorp
Classification: Likely benign. Last evaluated: 2019-02-13. Review status: criteria provided, single submitter. Criteria: LabCorp Variant Classification Summary - May 2015. Collection method: clinical testing. Allele origin: germline.
Comment: Variant summary: DSP c.5555G>A (p.Arg1852His) results in a non-conservative amino acid change in the encoded protein sequence. Four of five in-silico tools predict a damaging effect of the variant on protein function. The variant allele was found at a frequency of 0.0002 in 277212 control chromosomes, predominantly at a frequency of 0.0014 within the South Asian subpopulation in the gnomAD database. The observed variant frequency within South Asian control individuals in the gnomAD database is approximately 7 fold of the estimated maximal expected allele frequency for a pathogenic variant in DSP causing Arrhythmogenic Right Ventricular Dysplasia/Cardiomyopathy phenotype (0.0002), strongly suggesting that the variant is a benign polymorphism found primarily in populations of South Asian origin. c.5555G>A has been reported in the literature in a study that attempted to estimate the cardiovascular genetic risk in the Pakistani population in comparison with other continental populations using the 1000 genomes and the ExAC datasets. As this constitues the South Asian population referred above, this report does not provide unequivocal conclusions about association of the variant with Arrhythmogenic Right Ventricular Dysplasia/Cardiomyopathy. Furthermore, the Atlas of Cardiac Genetic Variation cites this variant as unlikely to be pathogenic based on its ExAC population frequency. To our knowledge, no experimental evidence demonstrating an impact on protein function has been reported. Three clinical diagnostic laboratories have submitted clinical-significance assessments for this variant to ClinVar after 2014 without evidence for independent evaluation. One of these labs classified the variant as likely benign while the other two classified it as uncertain significance. Based on the evidence outlined above, the variant was classified as likely benign.

Color Diagnostics, LLC DBA Color Health
Classification: Likely benign for Cardiomyopathy. Last evaluated: 2018-10-29. Review status: criteria provided, single submitter. Criteria: ACMG Guidelines, 2015. Collection method: clinical testing. Allele origin: germline.

Literature cited by the submitters: PubMed 29420653 (cited by Ambry Genetics and Women's Health and Genetics/Laboratory Corporation of America, LabCorp).